The following is an entry in ClinVar:

NM_000548.5(TSC2):c.2859del (p.Lys954fs)

Gene: TSC2 (TSC complex subunit 2; plus strand). Cytogenetic location: 16p13.3.
Variant type: Deletion.
Coding change: c.2859del on transcript NM_000548.5 (MANE Select); coding-DNA position 2859, one base deleted (C; older notation c.2859delC).
Protein change: p.Lys954fs; shifts the reading frame from lysine 954.
Molecular consequence: frameshift variant. On other transcripts: intron variant (9).
Genome position (GRCh38, 1-based): chr16:2,077,619, C deleted; the last of 6 consecutive C bases (chr16:2,077,614-2,077,619); deleting any one gives the same sequence. VCF-style (leftmost placement, unchanged base first): chr16-2077613-AC-A. GRCh37 (hg19) VCF-style: chr16-2127614-AC-A.
Other names: c.2859del, p.Lys954fs (NM_001114382.3); c.2859delC, p.Lys954Asnfs (NM_001406663.1, NM_001406664.1); c.2748delC, p.Lys917Asnfs (NM_001406670.1); c.2712delC, p.Lys905Asnfs (NM_001406675.1, NM_001406676.1); c.2259delC, p.Lys754Asnfs (NM_001406680.1, NM_001406682.1, NM_001406683.1 and 1 more transcripts); c.1515delC, p.Lys506Asnfs (NM_001406689.1); c.2837+1034del (NM_021055.3, NM_001370405.1, NM_001363528.2 and 2 more transcripts); c.2726+1034del (NM_001318827.2); and 3 more; short protein forms K954fs.
Identifiers: ClinVar variation 1796910 (VCV001796910.3), dbSNP rs796053504, ClinGen allele CA2202023077.

ClinVar aggregate classification (germline): Conflicting classifications of pathogenicity. Review status: criteria provided, conflicting classifications (1 of 4 stars). 2 submissions from 2 submitters: Likely pathogenic (1); Uncertain significance (1). Last evaluated 2022-03-16.

Conditions:
Hereditary cancer-predisposing syndrome. Also called: Tumor predisposition; Hereditary Cancer Syndrome; Neoplastic Syndromes, Hereditary; Hereditary neoplastic syndrome. Identifiers: Orphanet 140162, MedGen C0027672, MeSH D009386, MONDO:0015356.
Isolated focal cortical dysplasia type II (FCORD2). Also called: CORTICAL DYSPLASIA OF TAYLOR; Focal cortical dysplasia type II. Identifiers: Orphanet 268994, MedGen C1846385, MONDO:0011818, OMIM 607341, HP:0032051.

Submissions (2):

Ambry Genetics
Classification: Uncertain significance for Hereditary cancer-predisposing syndrome. Last evaluated: 2022-03-16. Review status: criteria provided, single submitter. Criteria: Ambry Variant Classification Scheme 2023. Collection method: clinical testing. Allele origin: germline.
Comment: The c.2859delC variant, located in coding exon 25 of the TSC2 gene, results from a deletion of one nucleotide at nucleotide position 2859, causing a translational frameshift with a predicted alternate stop codon (p.K954Nfs*4). Frameshift alterations are expected to result in loss of function by premature protein truncation or nonsense-mediated mRNA decay; however, this variant occurs in an exon that is absent in biologically relevant transcripts (Ekong R et al. Hum. Mutat., 2016 Apr;37:364-70). Since supporting evidence is limited at this time, the clinical significance of this alteration remains unclear.

Baylor Genetics
Classification: Likely pathogenic for Isolated focal cortical dysplasia type II. Last evaluated: 2021-07-19. Review status: criteria provided, single submitter. Criteria: ACMG Guidelines, 2015. Collection method: clinical testing. Allele origin: unknown.